The following is an entry in ClinVar:

ClinVar aggregate classification (germline): Benign. Review status: criteria provided, multiple submitters, no conflicts (2 of 4 stars). 2 submissions from 2 submitters: Benign (2). Last evaluated 2026-01-20.

Conditions:
Glycogen storage disease IXd (GSD9D). Also called: GSD IXd; Muscle Phosphorylase Kinase Deficiency. Identifiers: Orphanet 715, MedGen C1845151, MONDO:0010362, OMIM 300559.

Allele frequency attached by ClinVar (database versions not stated): gnomAD exomes 0.00004 and 0.00021; gnomAD 0.00013; ExAC 0.00015; TOPMed 0.00033.
gnomAD v4.1: 63 of 1,196,127 alleles (0.0053%); highest among the groups gnomAD compares: Admixed American, 0.13%; no homozygotes.

Submissions (2):

Labcorp Genetics (formerly Invitae), Labcorp
Classification: Benign for Glycogen storage disease IXd. Last evaluated: 2026-01-20. Review status: criteria provided, single submitter. Criteria: Invitae Variant Classification Sherloc (09022015). Collection method: clinical testing. Allele origin: germline.

Illumina Laboratory Services, Illumina
Classification: Benign for Glycogen storage disease IXd. Last evaluated: 2018-01-13. Review status: criteria provided, single submitter. Criteria: ICSL Variant Classification Criteria 13 December 2019. Collection method: clinical testing. Allele origin: germline.
Comment: This variant was observed in the ICSL laboratory as part of a predisposition screen in an ostensibly healthy population. It had not been previously curated by ICSL or reported in the Human Gene Mutation Database (HGMD: prior to June 1st, 2018), and was therefore a candidate for classification through an automated scoring system. Utilizing variant allele frequency, disease prevalence and penetrance estimates, and inheritance mode, an automated score was calculated to assess if this variant is too frequent to cause the disease. Based on the score and internal cut-off values, a variant classified as benign is not then subjected to further curation. The score for this variant resulted in a classification of benign for this disease.

NM_002637.4(PHKA1):c.718-12C>A

Gene: PHKA1 (phosphorylase kinase regulatory subunit alpha 1; minus strand). Cytogenetic location: Xq13.1.
Variant type: single nucleotide variant.
Coding change: c.718-12C>A on transcript NM_002637.4 (MANE Select); 12 bases into the intron before coding-DNA position 718, C replaced by A.
Molecular consequence: intron variant.
Genome position (GRCh38, 1-based): chrX:72,666,309, G>T on the plus strand (C>A on the coding strand, the complement: PHKA1 is on the minus strand). VCF-style: chrX-72666309-G-T. GRCh37 (hg19) VCF-style: chrX-71886159-G-T.
Other names: c.718-12C>A (NM_001172436.2, NM_001122670.2).
Identifiers: ClinVar variation 368651 (VCV000368651.12), dbSNP rs782227106, ClinGen allele CA10451005.